The following is an entry in ClinVar:

ClinVar aggregate classification (germline): Uncertain significance. Review status: criteria provided, multiple submitters, no conflicts (2 of 4 stars). 2 submissions from 2 submitters: Uncertain significance (2). Last evaluated 2025-04-12.

Conditions:
Inborn genetic diseases. Identifiers: MedGen C0950123, MeSH D030342.
Facioscapulohumeral muscular dystrophy 2 (FSHD2). Also called: MUSCULAR DYSTROPHY, FACIOSCAPULOHUMERAL, TYPE 1B; FACIOSCAPULOHUMERAL MUSCULAR DYSTROPHY 2, DIGENIC; FSHD2, DIGENIC. Identifiers: Orphanet 269, MedGen C1834671, MONDO:0008031, OMIM 158901.

Allele frequency attached by ClinVar (database versions not stated): gnomAD 0.00001; TOPMed 0.00002; ExAC 0.00003; gnomAD exomes 0.00003.
gnomAD v4.1: 44 of 1,613,440 alleles (0.0027%); highest among the groups gnomAD compares: Middle Eastern, 0.016%; no homozygotes.

Submissions (2):

Ambry Genetics
Classification: Uncertain significance for Inborn genetic diseases. Last evaluated: 2025-04-12. Review status: criteria provided, single submitter. Criteria: Ambry Variant Classification Scheme 2023. Collection method: clinical testing. Allele origin: germline.

Labcorp Genetics (formerly Invitae), Labcorp
Classification: Uncertain significance for Facioscapulohumeral muscular dystrophy 2. Last evaluated: 2021-04-23. Review status: criteria provided, single submitter. Criteria: Invitae Variant Classification Sherloc (09022015). Collection method: clinical testing. Allele origin: germline.
Comment: Algorithms developed to predict the effect of missense changes on protein structure and function (SIFT, PolyPhen-2, Align-GVGD) all suggest that this variant is likely to be disruptive, but these predictions have not been confirmed by published functional studies and their clinical significance is uncertain. This variant has not been reported in the literature in individuals with SMCHD1-related conditions. This variant is present in population databases (rs767850671, ExAC 0.02%). This sequence change replaces arginine with histidine at codon 428 of the SMCHD1 protein (p.Arg428His). The arginine residue is highly conserved and there is a small physicochemical difference between arginine and histidine. In summary, the available evidence is currently insufficient to determine the role of this variant in disease. Therefore, it has been classified as a Variant of Uncertain Significance.

NM_015295.3(SMCHD1):c.1283G>A (p.Arg428His)

Gene: SMCHD1 (structural maintenance of chromosomes flexible hinge domain containing 1; plus strand). Cytogenetic location: 18p11.32.
Variant type: single nucleotide variant.
Coding change: c.1283G>A on transcript NM_015295.3 (MANE Select); coding-DNA position 1283, G replaced by A.
Protein change: p.Arg428His; replaces arginine 428 with histidine.
Molecular consequence: missense variant.
Genome position (GRCh38, 1-based): chr18:2,697,982, G>A. VCF-style: chr18-2697982-G-A. GRCh37 (hg19) VCF-style: chr18-2697980-G-A.
Other names: c.1283G>A (NM_015295.2); short protein forms R428H.
Identifiers: ClinVar variation 1427231 (VCV001427231.9), dbSNP rs767850671, ClinGen allele CA8870717.